The following is an entry in ClinVar:

NM_007214.5(SEC63):c.340-10_340-7del

Gene: SEC63 (SEC63 protein translocation regulator; minus strand). Cytogenetic location: 6q21.
Variant type: Deletion.
Coding change: c.340-10_340-7del on transcript NM_007214.5 (MANE Select); 10 bases into the intron before coding-DNA position 340 through 7 bases into the intron before coding-DNA position 340, 4 bases deleted (TTTT; older notation c.340-10_340-7delTTTT).
Molecular consequence: intron variant.
Genome position (GRCh38, 1-based): chr6:107,921,916-107,921,919, AAAA deleted on the plus strand (TTTT on the coding strand, the reverse complement: SEC63 is on the minus strand); deleting any 4 consecutive bases within chr6:107,921,916-107,921,920 gives the same sequence; the c. name uses the placement nearest the transcript's 3' end. VCF-style (leftmost placement, unchanged base first): chr6-107921915-GAAAA-G. GRCh37 (hg19) VCF-style: chr6-108243119-GAAAA-G.
Other names: NC_000006.11:g.108243121_108243124del; c.340-11_340-8del (NM_007214.5).
Identifiers: ClinVar variation 1192280 (VCV001192280.2), dbSNP rs66526324, ClinGen allele CA816947534.

ClinVar aggregate classification (germline): Uncertain significance (1 of 4 stars; one submission).

Submissions (3):

Women's Health and Genetics/Laboratory Corporation of America, LabCorp
Classification: Uncertain significance. Last evaluated: 2021-07-23. Review status: criteria provided, single submitter. Criteria: LabCorp Variant Classification Summary - May 2015. Collection method: clinical testing. Allele origin: germline.
Comment: Variant summary: SEC63 c.340-10_340-7delTTTT alters a nucleotide located close to a canonical splice site and therefore could affect mRNA splicing, leading to a significantly altered protein sequence. 4/4 computational tools predict no significant impact on normal splicing. However, these predictions have yet to be confirmed by functional studies. The variant was absent in 129036 control chromosomes (gnomAD). The available data on variant occurrences in the general population are insufficient to allow any conclusion about variant significance. To our knowledge, no occurrence of c.340-10_340-7delTTTT in individuals affected with Polycystic Liver Disease 2 and no experimental evidence demonstrating its impact on protein function have been reported. No clinical diagnostic laboratories have submitted clinical-significance assessments for this variant to ClinVar after 2014. The variant is located in a poly T repeat region. Other deletion variants in this region have been cited as benign/likely benign in LOVD and ClinVar (e.g. c.340-12_340-11del, c.340-12_340-10del, c.340-12_340-9del, c.340-12_340-8del). Based on the evidence outlined above, the variant was classified as uncertain significance.

Dr. Peter K. Rogan Lab, Western University
No classification provided (evidence only). Condition: Colon adenocarcinoma. Review status: no classification provided. Collection method: in vitro. Allele origin: not applicable. Functional consequence: retained intron. Not counted in ClinVar's aggregate classification.

Dr. Peter K. Rogan Lab, Western University
No classification provided (evidence only). Condition: Nonpapillary renal cell carcinoma. Review status: no classification provided. Collection method: in vitro. Allele origin: not applicable. Functional consequence: retained intron. Not counted in ClinVar's aggregate classification.